The following is an entry in ClinVar:

ClinVar aggregate classification (germline): Pathogenic/Likely pathogenic. Review status: criteria provided, multiple submitters, no conflicts (2 of 4 stars). 2 submissions from 2 submitters: Pathogenic (1); Likely pathogenic (1). Last evaluated 2024-09-06.

Conditions:
Hereditary cancer-predisposing syndrome. Also called: Hereditary neoplastic syndrome; Neoplastic Syndromes, Hereditary; Hereditary Cancer Syndrome; Tumor predisposition. Identifiers: Orphanet 140162, MedGen C0027672, MeSH D009386, MONDO:0015356.

Submissions (3):

Ambry Genetics
Classification: Likely pathogenic for Hereditary cancer-predisposing syndrome. Last evaluated: 2024-09-06. Review status: criteria provided, single submitter. Criteria: Ambry Variant Classification Scheme 2023. Collection method: clinical testing. Allele origin: germline.
Comment: The p.C434R variant (also known as c.1300T>C), located in coding exon 9 of the FH gene, results from a T to C substitution at nucleotide position 1300. The cysteine at codon 434 is replaced by arginine, an amino acid with highly dissimilar properties. This variant was reported in an individual with features consistent with hereditary leiomyomatosis and renal cell cancer (Forde C et al. Eur Urol Oncol, 2020 Dec;3:764-772). This amino acid position is highly conserved in available vertebrate species. In addition, this alteration is predicted to be deleterious by in silico analysis. This variant is considered to be rare based on population cohorts in the Genome Aggregation Database (gnomAD). Based on the majority of available evidence to date, this variant is likely to be pathogenic.

Labcorp Genetics (formerly Invitae), Labcorp
Classification: Pathogenic. Last evaluated: 2023-02-04. Review status: criteria provided, single submitter. Criteria: Invitae Variant Classification Sherloc (09022015). Collection method: clinical testing. Allele origin: germline.
Comment: This sequence change replaces cysteine, which is neutral and slightly polar, with arginine, which is basic and polar, at codon 434 of the FH protein (p.Cys434Arg). This variant is not present in population databases (gnomAD no frequency). This missense change has been observed in individual(s) with clinical features of hereditary leiomyomatosis (PMID: 31831373). It has also been observed to segregate with disease in related individuals. ClinVar contains an entry for this variant (Variation ID: 954126). Advanced modeling of protein sequence and biophysical properties (such as structural, functional, and spatial information, amino acid conservation, physicochemical variation, residue mobility, and thermodynamic stability) performed at Invitae indicates that this missense variant is expected to disrupt FH protein function. This variant disrupts the p.Cys434 amino acid residue in FH. Other variant(s) that disrupt this residue have been determined to be pathogenic (PMID: 25004247; Invitae). This suggests that this residue is clinically significant, and that variants that disrupt this residue are likely to be disease-causing. For these reasons, this variant has been classified as Pathogenic.

Blake Wilde Laboratory, Roswell Park Comprehensive Cancer Center
No classification provided (evidence only). Condition: Hereditary leiomyomatosis and renal cell cancer. Review status: no classification provided. Collection method: in vitro. Allele origin: not applicable. Functional consequence: decreased enzyme activity. Not counted in ClinVar's aggregate classification.

Literature cited by the submitters: PubMed 31831373 (cited by Ambry Genetics and Labcorp Genetics (formerly Invitae), Labcorp); PubMed 25004247 (cited by Labcorp Genetics (formerly Invitae), Labcorp).

NM_000143.4(FH):c.1300T>C (p.Cys434Arg)

Gene: FH (fumarate hydratase; minus strand). Cytogenetic location: 1q43.
Variant type: single nucleotide variant.
Coding change: c.1300T>C on transcript NM_000143.4 (MANE Select); coding-DNA position 1300, T replaced by C.
Protein change: p.Cys434Arg; replaces cysteine 434 with arginine.
Molecular consequence: missense variant.
Genome position (GRCh38, 1-based): chr1:241,500,527, A>G on the plus strand (T>C on the coding strand, the complement: FH is on the minus strand). VCF-style: chr1-241500527-A-G. GRCh37 (hg19) VCF-style: chr1-241663827-A-G.
Other names: short protein forms C434R.
Identifiers: ClinVar variation 954126 (VCV000954126.11), dbSNP rs1659745968, ClinGen allele CA345436693.